The following is an entry in ClinVar:

ClinVar aggregate classification (germline): Uncertain significance. Review status: criteria provided, multiple submitters, no conflicts (2 of 4 stars). 3 submissions from 3 submitters: Uncertain significance (3). Last evaluated 2025-10-16.

Conditions:
Usher syndrome type 2C. Also called: Usher syndrome, type 2B; USHER SYNDROME, TYPE IIC. Identifiers: Orphanet 231178, Orphanet 886, MedGen C2931213, MONDO:0011558, OMIM 605472.

gnomAD v4.1: 10 of 1,611,736 alleles (0.00062%); highest among the groups gnomAD compares: African/African-American, 0.0013%; no homozygotes.

Submissions (3):

Human Genetics Bochum, Ruhr University Bochum
Classification: Uncertain significance for Usher syndrome type 2C. Last evaluated: 2025-10-16. Review status: criteria provided, single submitter. Criteria: ACMG Guidelines, 2015. Collection method: clinical testing. Allele origin: germline. Affected: yes.
Comment: in compound heterozygous state with c.1527_1532delinsAAAGC; ACMG criteria used to clasify this variant: PM2_SUP, PM3_SUP

Women's Health and Genetics/Laboratory Corporation of America, LabCorp
Classification: Uncertain significance. Last evaluated: 2025-07-14. Review status: criteria provided, single submitter. Criteria: LabCorp Variant Classification Summary - May 2015. Collection method: clinical testing. Allele origin: germline.
Comment: Variant summary: ADGRV1 c.12185G>A (p.Arg4062Gln) results in a conservative amino acid change in the encoded protein sequence. Algorithms developed to predict the effect of missense changes on protein structure and function are either unavailable or do not agree on the potential impact of this missense change. The variant allele was found at a frequency of 4e-06 in 248764 control chromosomes. c.12185G>A has been observed in the presumed compound heterozygous state in multiple individual(s) affected with clinical features of Usher syndrome (deafness)(example, Ziats_2020, Shearer_2013, Labcorp Genetics (formerly Invitae)). These data indicate that the variant may be associated with disease. To our knowledge, no experimental evidence demonstrating an impact on protein function has been reported. The following publications have been ascertained in the context of this evaluation (PMID: 35813073, 31618753, 23804846). ClinVar contains an entry for this variant (Variation ID: 3720633). Based on the evidence outlined above, the variant was classified as VUS-possibly pathogenic.

Labcorp Genetics (formerly Invitae), Labcorp
Classification: Uncertain significance. Last evaluated: 2024-07-06. Review status: criteria provided, single submitter. Criteria: Invitae Variant Classification Sherloc (09022015). Collection method: clinical testing. Allele origin: germline.
Comment: This sequence change replaces arginine, which is basic and polar, with glutamine, which is neutral and polar, at codon 4062 of the ADGRV1 protein (p.Arg4062Gln). This variant is present in population databases (rs761739963, gnomAD 0.0009%). This missense change has been observed in individuals with deafness (PMID: 23804846, 31618753; Invitae). Advanced modeling of protein sequence and biophysical properties (such as structural, functional, and spatial information, amino acid conservation, physicochemical variation, residue mobility, and thermodynamic stability) performed at Invitae indicates that this missense variant is not expected to disrupt ADGRV1 protein function with a negative predictive value of 95%. In summary, the available evidence is currently insufficient to determine the role of this variant in disease. Therefore, it has been classified as a Variant of Uncertain Significance.

Literature cited by the submitters: PubMed 31618753 (cited by Women's Health and Genetics/Laboratory Corporation of America, LabCorp and Labcorp Genetics (formerly Invitae), Labcorp); PubMed 23804846 (cited by Women's Health and Genetics/Laboratory Corporation of America, LabCorp and Labcorp Genetics (formerly Invitae), Labcorp); PubMed 35813073 (cited by Women's Health and Genetics/Laboratory Corporation of America, LabCorp).

NM_032119.4(ADGRV1):c.12185G>A (p.Arg4062Gln)

Gene: ADGRV1 (adhesion G protein-coupled receptor V1; plus strand). Cytogenetic location: 5q14.3.
Variant type: single nucleotide variant.
Coding change: c.12185G>A on transcript NM_032119.4 (MANE Select); coding-DNA position 12185, G replaced by A.
Protein change: p.Arg4062Gln; replaces arginine 4062 with glutamine.
Molecular consequence: missense variant. On other transcripts: non-coding transcript variant (1).
Genome position (GRCh38, 1-based): chr5:90,763,369, G>A. VCF-style: chr5-90763369-G-A. GRCh37 (hg19) VCF-style: chr5-90059186-G-A.
Other names: short protein forms R4062Q.
Identifiers: ClinVar variation 3720633 (VCV003720633.4), dbSNP rs761739963.